The following is an entry in ClinVar:

NM_001844.5(COL2A1):c.2407_2409del (p.Lys803del)

Gene: COL2A1 (collagen type II alpha 1 chain; minus strand). Cytogenetic location: 12q13.11.
Variant type: Deletion.
Coding change: c.2407_2409del on transcript NM_001844.5 (MANE Select); coding-DNA positions 2407 to 2409, 3 bases deleted (AAG; older notation c.2407_2409delAAG).
Protein change: p.Lys803del; deletes lysine 803.
Molecular consequence: inframe deletion.
Genome position (GRCh38, 1-based): chr12:47,981,776-47,981,778, CTT deleted on the plus strand (AAG on the coding strand, the reverse complement: COL2A1 is on the minus strand); deleting any 3 consecutive bases within chr12:47,981,776-47,981,780 gives the same sequence; the c. name uses the placement nearest the transcript's 3' end. VCF-style (leftmost placement, unchanged base first): chr12-47981775-CCTT-C. GRCh37 (hg19) VCF-style: chr12-48375558-CCTT-C.
Other names: c.2200_2202del, p.Lys734del (NM_033150.3); short protein forms K803del, K734del.
Identifiers: ClinVar variation 373012 (VCV000373012.1), dbSNP rs1057518139, ClinGen allele CA16042883.

ClinVar aggregate classification (germline): Likely pathogenic (1 of 4 stars; one submission).

Submission:

GeneDx
Classification: Likely pathogenic. Last evaluated: 2016-09-02. Review status: criteria provided, single submitter. Criteria: GeneDx Variant Classification (06012015). Collection method: clinical testing. Allele origin: germline. Affected: yes.
Comment: A novel K803del likely pathogenic variant was identified in the COL2A1 gene. It has not been published as a pathogenic variant, nor has it been reported as a benign variant to our knowledge. K803del occurs in the triple helical domain and removes the amino acid Lysine from the third position (Y) of the canonical Gly-X-Y repeat. Pathogenic variants in these residues result in poor winding of the collagen triple helix and a less functional protein.The K803del variant was not observed in approximately 6,300 individuals of European and African American ancestry in the NHLBI Exome Sequencing Project, indicating it is not a common benign variant in these populations. This substitution occurs at a position that is conserved across species. Another similar in-frame amino acid deletion occurring within the third position of the Gly-X-Y repeat (Val983del) has been reported in the in the Human Gene Mutation Database in association with COL2A1-related disorders (Stenson et al., 2014), supporting the functional importance of this region of the protein. Therefore, this variant is likely pathogenic; however, the possibility that it is benign cannot be excluded.